The following is an entry in ClinVar:

NM_001374736.1(DST):c.19978G>T (p.Ala6660Ser)

Gene: DST (dystonin; minus strand). Cytogenetic location: 6p12.1.
Variant type: single nucleotide variant.
Coding change: c.19978G>T on transcript NM_001374736.1 (MANE Select); coding-DNA position 19978, G replaced by T.
Protein change: p.Ala6660Ser; replaces alanine 6660 with serine.
Molecular consequence: missense variant.
Genome position (GRCh38, 1-based): chr6:56,497,972, C>A on the plus strand (G>T on the coding strand, the complement: DST is on the minus strand). VCF-style: chr6-56497972-C-A. GRCh37 (hg19) VCF-style: chr6-56362770-C-A.
Other names: c.13621G>T, p.Ala4541Ser (NM_001144769.5); c.13207G>T, p.Ala4403Ser (NM_001144770.2); c.19978G>T, p.Ala6660Ser (NM_001374722.1); c.19018G>T, p.Ala6340Ser (NM_001374729.1); c.12760G>T, p.Ala4254Ser (NM_001374730.1); c.20005G>T, p.Ala6669Ser (NM_001374734.1); c.13087G>T, p.Ala4363Ser (NM_001386100.1, NM_183380.4); c.12109G>T, p.Ala4037Ser (NM_015548.5); short protein forms A4037S, A4254S, A4363S, A4403S, A4541S, A6340S, A6660S, A6669S.
Identifiers: ClinVar variation 1055234 (VCV001055234.7), dbSNP rs776119419, ClinGen allele CA3866866.

ClinVar aggregate classification (germline): Uncertain significance (1 of 4 stars; one submission).

Conditions:
Epidermolysis bullosa simplex 3, localized or generalized intermediate, with BP230 deficiency (EBS3). Also called: Epidermolysis bullosa simplex due to BP230 deficiency; Epidermolysis bullosa simplex, autosomal recessive 2. Identifiers: Orphanet 412181, MedGen C3809470, MONDO:0014180, OMIM 615425.
Hereditary sensory and autonomic neuropathy type 6. Also called: HSAN VI; Neuropathy, hereditary sensory and autonomic, type VI. Identifiers: Orphanet 314381, MedGen C3539003, MONDO:0013839, OMIM 614653.

gnomAD v4.1: 9 of 1,613,540 alleles (0.00056%); highest among the groups gnomAD compares: Non-Finnish European, 0.00076%; no homozygotes.

Submission:

Labcorp Genetics (formerly Invitae), Labcorp
Classification: Uncertain significance for Epidermolysis bullosa simplex 3, localized or generalized intermediate, with BP230 deficiency; Hereditary sensory and autonomic neuropathy type 6. Last evaluated: 2020-08-04. Review status: criteria provided, single submitter. Criteria: Invitae Variant Classification Sherloc (09022015). Collection method: clinical testing. Allele origin: germline.
Comment: In summary, the available evidence is currently insufficient to determine the role of this variant in disease. Therefore, it has been classified as a Variant of Uncertain Significance. Experimental studies and prediction algorithms are not available or were not evaluated, and the functional significance of this variant is currently unknown. This variant has not been reported in the literature in individuals with DST-related conditions. This variant is present in population databases (rs776119419, ExAC 0.001%). This sequence change replaces alanine with serine at codon 4037 of the DST protein (p.Ala4037Ser). The alanine residue is moderately conserved and there is a moderate physicochemical difference between the two amino acids. The DST gene has multiple clinically relevant transcripts. This variant occurs in alternate transcript NM_015548.4, and corresponds to NM_001723.5:c.*117545G>T in the primary transcript.